The following is an entry in ClinVar:

ClinVar aggregate classification (germline): Uncertain significance. Review status: criteria provided, multiple submitters, no conflicts (2 of 4 stars). 2 submissions from 2 submitters: Uncertain significance (2). Last evaluated 2024-04-22.

Conditions:
Oligodontia-cancer predisposition syndrome. Also called: TOOTH AGENESIS-COLORECTAL CANCER SYNDROME. Identifiers: Orphanet 300576, MedGen C1837750, MONDO:0012075, OMIM 608615. Disease mechanism: loss of function.
Hereditary cancer-predisposing syndrome. Also called: Neoplastic Syndromes, Hereditary; Tumor predisposition; Hereditary neoplastic syndrome; Hereditary Cancer Syndrome. Identifiers: Orphanet 140162, MedGen C0027672, MeSH D009386, MONDO:0015356.

Submissions (2):

Labcorp Genetics (formerly Invitae), Labcorp
Classification: Uncertain significance for Oligodontia-cancer predisposition syndrome. Last evaluated: 2024-04-22. Review status: criteria provided, single submitter. Criteria: Invitae Variant Classification Sherloc (09022015). Collection method: clinical testing. Allele origin: germline.
Comment: This sequence change replaces asparagine, which is neutral and polar, with isoleucine, which is neutral and non-polar, at codon 115 of the AXIN2 protein (p.Asn115Ile). This variant is not present in population databases (gnomAD no frequency). This variant has not been reported in the literature in individuals affected with AXIN2-related conditions. ClinVar contains an entry for this variant (Variation ID: 581401). Advanced modeling of protein sequence and biophysical properties (such as structural, functional, and spatial information, amino acid conservation, physicochemical variation, residue mobility, and thermodynamic stability) performed at Invitae indicates that this missense variant is expected to disrupt AXIN2 protein function with a positive predictive value of 80%. In summary, the available evidence is currently insufficient to determine the role of this variant in disease. Therefore, it has been classified as a Variant of Uncertain Significance.

Ambry Genetics
Classification: Uncertain significance for Hereditary cancer-predisposing syndrome. Last evaluated: 2023-11-15. Review status: criteria provided, single submitter. Criteria: Ambry Variant Classification Scheme 2023. Collection method: clinical testing. Allele origin: germline.
Comment: The p.N115I variant (also known as c.344A>T), located in coding exon 1 of the AXIN2 gene, results from an A to T substitution at nucleotide position 344. The asparagine at codon 115 is replaced by isoleucine, an amino acid with dissimilar properties. This amino acid position is well conserved in available vertebrate species. In addition, this alteration is predicted to be tolerated by in silico analysis. Since supporting evidence is limited at this time, the clinical significance of this alteration remains unclear.

NM_004655.4(AXIN2):c.344A>T (p.Asn115Ile)

Gene: AXIN2 (axin 2; minus strand). Cytogenetic location: 17q24.1.
Variant type: single nucleotide variant.
Coding change: c.344A>T on transcript NM_004655.4 (MANE Select); coding-DNA position 344, A replaced by T.
Protein change: p.Asn115Ile; replaces asparagine 115 with isoleucine.
Molecular consequence: missense variant.
Genome position (GRCh38, 1-based): chr17:65,558,277, T>A on the plus strand (A>T on the coding strand, the complement: AXIN2 is on the minus strand). VCF-style: chr17-65558277-T-A. GRCh37 (hg19) VCF-style: chr17-63554395-T-A.
Other names: c.344A>T (LRG_296t1); c.344A>T, p.Asn115Ile (NM_001363813.1); short protein forms N115I.
Identifiers: ClinVar variation 581401 (VCV000581401.9), dbSNP rs370257532, ClinGen allele CA400681600.